The following is an entry in ClinVar:

NM_017780.4(CHD7):c.3463C>T (p.Arg1155Cys)

Gene: CHD7 (chromodomain helicase DNA binding protein 7; plus strand). Cytogenetic location: 8q12.2.
Variant type: single nucleotide variant.
Coding change: c.3463C>T on transcript NM_017780.4 (MANE Select); coding-DNA position 3463, C replaced by T.
Protein change: p.Arg1155Cys; replaces arginine 1155 with cysteine.
Molecular consequence: missense variant. On other transcripts: intron variant (1).
Genome position (GRCh38, 1-based): chr8:60,828,747, C>T. VCF-style: chr8-60828747-C-T. GRCh37 (hg19) VCF-style: chr8-61741306-C-T.
Other names: c.3463C>T (NM_017780.2); c.1717-33482C>T (NM_001316690.1); short protein forms R1155C.
Identifiers: ClinVar variation 194419 (VCV000194419.39), dbSNP rs201769233, ClinGen allele CA240357.

ClinVar aggregate classification (germline): Conflicting classifications of pathogenicity. Review status: criteria provided, conflicting classifications (1 of 4 stars). 5 submissions from 5 submitters: Uncertain significance (3); Likely benign (2). Last evaluated 2025-07-31.

Conditions:
CHARGE syndrome (CHARGE). Also called: Coloboma, heart anomaly, choanal atresia, retardation, genital and ear anomalies; CHARGE association; Hall-Hittner syndrome; CHARGE ASSOCIATION--COLOBOMA, HEART ANOMALY, CHOANAL ATRESIA, RETARDATION, GENITAL AND EAR ANOMALIES; Hittner Hirsch Kreh syndrome. Identifiers: Orphanet 138, MedGen C0265354, MONDO:0008965.
Hypogonadotropic hypogonadism 5 with or without anosmia (KAL5). Also called: HYPOGONADOTROPIC HYPOGONADISM 5 WITH ANOSMIA; HYPOGONADOTROPHIC HYPOGONADISM 5 WITHOUT ANOSMIA; CHD7-Related GnRH Deficiency (Kallmann Syndrome 5). Identifiers: Orphanet 478, MedGen C3552553, MONDO:0012880, OMIM 612370. Disease mechanism: loss of function.

Allele frequency attached by ClinVar (database versions not stated): gnomAD 0.00001; TOPMed 0.00002; gnomAD exomes 0.00003 and 0.00005; ExAC 0.00004; ESP Exome Variant Server 0.00008.
gnomAD v4.1: 48 of 1,613,466 alleles (0.003%); highest among the groups gnomAD compares: Middle Eastern, 0.016%; no homozygotes.

Submissions (5):

Labcorp Genetics (formerly Invitae), Labcorp
Classification: Likely benign for CHARGE syndrome. Last evaluated: 2025-07-31. Review status: criteria provided, single submitter. Criteria: Invitae Variant Classification Sherloc (09022015). Collection method: clinical testing. Allele origin: germline.

GeneDx
Classification: Uncertain significance. Last evaluated: 2024-05-01. Review status: criteria provided, single submitter. Criteria: GeneDx Variant Classification Process June 2021. Collection method: clinical testing. Allele origin: germline. Affected: yes.
Comment: Identified in a patient with partial hypogonadotropic hypogonadism in published literature (PMID: 35133534); In silico analysis supports that this missense variant has a deleterious effect on protein structure/function; This variant is associated with the following publications: (PMID: 35133534)

CeGaT Center for Human Genetics Tuebingen
Classification: Likely benign. Last evaluated: 2023-11-01. Review status: criteria provided, single submitter. Criteria: CeGaT Center For Human Genetics Tuebingen Variant Classification Criteria Version 2. Collection method: clinical testing. Allele origin: germline. Affected: yes. Observed: 1 variant allele.
Comment: CHD7: PP3, BP5, BS2

Fulgent Genetics
Classification: Uncertain significance for CHD7-related CHARGE syndrome; Hypogonadotropic hypogonadism 5 with or without anosmia. Last evaluated: 2018-10-31. Review status: criteria provided, single submitter. Criteria: ACMG Guidelines, 2015. Collection method: clinical testing. Allele origin: unknown.

Eurofins Ntd Llc (ga)
Classification: Uncertain significance. Last evaluated: 2015-03-25. Review status: criteria provided, single submitter. Criteria: EGL Classification Definitions 2015. Collection method: clinical testing. Allele origin: germline. Observed: 1 variant allele, 1 heterozygote.